The following is an entry in ClinVar:

NM_000540.3(RYR1):c.6797-9C>T

Gene: RYR1 (ryanodine receptor 1; plus strand). Cytogenetic location: 19q13.2.
Variant type: single nucleotide variant.
Coding change: c.6797-9C>T on transcript NM_000540.3 (MANE Select); 9 bases into the intron before coding-DNA position 6797, C replaced by T.
Molecular consequence: intron variant.
Genome position (GRCh38, 1-based): chr19:38,496,851, C>T. VCF-style: chr19-38496851-C-T. GRCh37 (hg19) VCF-style: chr19-38987491-C-T.
Other names: c.6797-9C>T (NM_001042723.2).
Identifiers: ClinVar variation 256543 (VCV000256543.16), dbSNP rs191934693, ClinGen allele CA068763.
Genomic context (GRCh38, chr19:38,496,851, plus strand): 5'-AGGGAGGGCTTCCCAGAGGAGGCGAGACAAGCAGGAGTGAGATGTTCTCCCCACCTCTCG[C>T]CCCTGCAGGCATGCAGGGCTCCACGCCCCTGGACGTGGCTGCTGCCTCCGTCATTGACAA-3'

ClinVar aggregate classification (germline): Likely benign. Review status: criteria provided, multiple submitters, no conflicts (2 of 4 stars). 5 submissions from 5 submitters: Likely benign (5). Last evaluated 2026-02-01.

Conditions:
RYR1-related disorder. Also called: RYR1-related condition; RYR1-related disorders. Identifiers: MedGen CN239331.
Malignant hyperthermia, susceptibility to, 1 (MHS1). Also called: RYR1-Related Malignant Hyperthermia Susceptibility; Anesthesia related hyperthermia; Malignant hyperpyrexia; Fulminating hyperpyrexia; Pharmacogenic myopathy; Malignant hyperthermia suceptibility 1. Identifiers: Orphanet 423, MedGen C2930980, MONDO:0007783, OMIM 145600.

Allele frequency attached by ClinVar (database versions not stated): 1000 Genomes Project 30x 0.00031; ESP Exome Variant Server 0.00046; gnomAD exomes 0.00012; TOPMed 0.00013; ExAC 0.00014; gnomAD 0.00016; 1000 Genomes Project 0.00020.
gnomAD v4.1: 260 of 1,609,132 alleles (0.016%); highest among the groups gnomAD compares: Non-Finnish European, 0.02%; no homozygotes.

Submissions (5):

Labcorp Genetics (formerly Invitae), Labcorp
Classification: Likely benign for RYR1-related disorder. Last evaluated: 2026-02-01. Review status: criteria provided, single submitter. Criteria: Invitae Variant Classification Sherloc (09022015). Collection method: clinical testing. Allele origin: germline.

Blueprint Genetics
Classification: Likely benign. Last evaluated: 2024-11-23. Review status: criteria provided, single submitter. Criteria: ACMG Guidelines, 2015. Collection method: clinical testing. Allele origin: germline.

All of Us Research Program, National Institutes of Health
Classification: Likely benign for Malignant hyperthermia, susceptibility to, 1. Last evaluated: 2024-01-11. Review status: criteria provided, single submitter. Criteria: ACMG Guidelines, 2015. Collection method: clinical testing. Allele origin: germline. Inheritance: Autosomal dominant inheritance. Observed: 49 variant alleles, 49 heterozygotes.
Comment: This study involves interpretation of variants in research participants for the purpose of population health screening. Participant phenotype was not available at the time of variant classification. Additional details can be found in publication PMID: 35346344, PMCID: PMC8962531

Color Diagnostics, LLC DBA Color Health
Classification: Likely benign for Malignant hyperthermia, susceptibility to, 1. Last evaluated: 2022-11-08. Review status: criteria provided, single submitter. Criteria: ACMG Guidelines, 2015. Collection method: clinical testing. Allele origin: germline.

PreventionGenetics, part of Exact Sciences
Classification: Likely benign. Review status: criteria provided, single submitter. Criteria: ACMG Guidelines, 2015. Collection method: clinical testing. Allele origin: germline.